The following is an entry in ClinVar:

ClinVar aggregate classification (germline): Uncertain significance. Review status: criteria provided, multiple submitters, no conflicts (2 of 4 stars). 2 submissions from 2 submitters: Uncertain significance (2). Last evaluated 2024-01-26.

Conditions:
Polydactyly, postaxial, type A1. Identifiers: MedGen C4282400, MONDO:0008266, OMIM 174200.
Pallister-Hall syndrome (PHS). Also called: HYPOTHALAMIC HAMARTOBLASTOMA, HYPOPITUITARISM, IMPERFORATE ANUS, AND POSTAXIAL POLYDACTYLY; GLI3-Related Pallister-Hall Syndrome. Identifiers: Orphanet 672, MedGen C0265220, MONDO:0007804, OMIM 146510.
Polysyndactyly 4. Also called: Polysyndactyly uncomplicated; Preaxial polydactyly 4. Identifiers: Orphanet 93338, MedGen C1868111, MONDO:0008272, OMIM 174700.
Greig cephalopolysyndactyly syndrome (GCPS). Also called: POLYSYNDACTYLY WITH PECULIAR SKULL SHAPE; Greig syndrome; GLI3-Related Greig Cephalopolysyndactyly Syndrome. Identifiers: Orphanet 380, MedGen C0265306, MONDO:0008287, OMIM 175700.

Submissions (2):

Labcorp Genetics (formerly Invitae), Labcorp
Classification: Uncertain significance for Pallister-Hall syndrome; Greig cephalopolysyndactyly syndrome. Last evaluated: 2024-01-26. Review status: criteria provided, single submitter. Criteria: Invitae Variant Classification Sherloc (09022015). Collection method: clinical testing. Allele origin: germline.
Comment: This sequence change replaces serine, which is neutral and polar, with lysine, which is basic and polar, at codon 1207 of the GLI3 protein (p.Ser1207Lys). This variant is present in population databases (no rsID available, gnomAD 0.006%). This variant has not been reported in the literature in individuals affected with GLI3-related conditions. An algorithm developed to predict the effect of missense changes on protein structure and function (PolyPhen-2) suggests that this variant is likely to be tolerated. In summary, the available evidence is currently insufficient to determine the role of this variant in disease. Therefore, it has been classified as a Variant of Uncertain Significance.

Fulgent Genetics
Classification: Uncertain significance for Pallister-Hall syndrome; Polydactyly, postaxial, type A1; Polysyndactyly 4; Greig cephalopolysyndactyly syndrome. Last evaluated: 2024-01-04. Review status: criteria provided, single submitter. Criteria: ACMG Guidelines, 2015. Collection method: clinical testing. Allele origin: germline.

NM_000168.6(GLI3):c.3620_3621delinsAA (p.Ser1207Lys)

Gene: GLI3 (GLI family zinc finger 3; minus strand). Cytogenetic location: 7p14.1.
Variant type: Indel.
Coding change: c.3620_3621delinsAA on transcript NM_000168.6 (MANE Select); coding-DNA positions 3620 to 3621, GC replaced by AA.
Protein change: p.Ser1207Lys; replaces serine 1207 with lysine.
Molecular consequence: missense variant.
Genome position (GRCh38, 1-based): chr7:41,965,452-41,965,453, GC replaced by TT on the plus strand (GC replaced by AA on the coding strand, the reverse complement: GLI3 is on the minus strand). VCF-style: chr7-41965452-GC-TT. GRCh37 (hg19) VCF-style: chr7-42005050-GC-TT.
Other names: short protein forms S1207K.
Identifiers: ClinVar variation 2936405 (VCV002936405.4), dbSNP rs2484370927, ClinGen allele CA2740097347.